The following is an entry in ClinVar:

NM_024537.4(CARS2):c.1516G>A (p.Glu506Lys)

Gene: CARS2 (cysteinyl-tRNA synthetase 2, mitochondrial; minus strand). Cytogenetic location: 13q34.
Variant type: single nucleotide variant.
Coding change: c.1516G>A on transcript NM_024537.4 (MANE Select); coding-DNA position 1516, G replaced by A.
Protein change: p.Glu506Lys; replaces glutamic acid 506 with lysine.
Molecular consequence: missense variant. On other transcripts: non-coding transcript variant (2).
Genome position (GRCh38, 1-based): chr13:110,642,422, C>T on the plus strand (G>A on the coding strand, the complement: CARS2 is on the minus strand). VCF-style: chr13-110642422-C-T. GRCh37 (hg19) VCF-style: chr13-111294769-C-T.
Other names: c.730G>A, p.Glu244Lys (NM_001352252.2); short protein forms E244K, E506K.
Identifiers: ClinVar variation 656913 (VCV000656913.10), dbSNP rs368624802, ClinGen allele CA7051622.
Genomic context (GRCh38, chr13:110,642,422, plus strand): 5'-ATGCTTCCAGCAGGGGCTGCCTTTCTAGGAGCTGCTGCCGCCGGGCGTCCCCCGTGGCCT[C>T]GGGCATGGCCAGCGCAAACTGCCGGACCTTCTGCCGGAACCGCACCAGCTCGTCCACCAC-3'
Protein context (NP_078813.1, residues 496-516): KVRQFALAMP[Glu506Lys]ATGDARRQQL

ClinVar aggregate classification (germline): Uncertain significance. Review status: criteria provided, multiple submitters, no conflicts (2 of 4 stars). 3 submissions from 3 submitters: Uncertain significance (3). Last evaluated 2025-01-15.

Conditions:
Inborn genetic diseases. Identifiers: MedGen C0950123, MeSH D030342.
Combined oxidative phosphorylation defect type 27. Also called: Combined oxidative phosphorylation deficiency 27. Identifiers: Orphanet 477774, MedGen C5567608, MONDO:0014728, OMIM 616672.

Allele frequency attached by ClinVar (database versions not stated): TOPMed 0.00008; gnomAD exomes 0.00011; 1000 Genomes Project 0.00020; ExAC 0.00021; gnomAD 0.00022; ESP Exome Variant Server 0.00023; 1000 Genomes Project 30x 0.00047.
gnomAD v4.1: 139 of 1,600,360 alleles (0.0087%); highest among the groups gnomAD compares: Middle Eastern, 0.083%; no homozygotes.

Submissions (3):

Labcorp Genetics (formerly Invitae), Labcorp
Classification: Uncertain significance for Combined oxidative phosphorylation defect type 27. Last evaluated: 2025-01-15. Review status: criteria provided, single submitter. Criteria: Invitae Variant Classification Sherloc (09022015). Collection method: clinical testing. Allele origin: germline.
Comment: This sequence change replaces glutamic acid, which is acidic and polar, with lysine, which is basic and polar, at codon 506 of the CARS2 protein (p.Glu506Lys). This variant is present in population databases (rs368624802, gnomAD 0.05%). This variant has not been reported in the literature in individuals affected with CARS2-related conditions. ClinVar contains an entry for this variant (Variation ID: 656913). An algorithm developed to predict the effect of missense changes on protein structure and function outputs the following: PolyPhen-2: "Benign". The lysine amino acid residue is found in multiple mammalian species, which suggests that this missense change does not adversely affect protein function. In summary, the available evidence is currently insufficient to determine the role of this variant in disease. Therefore, it has been classified as a Variant of Uncertain Significance.

Ambry Genetics
Classification: Uncertain significance for Inborn genetic diseases. Last evaluated: 2024-05-02. Review status: criteria provided, single submitter. Criteria: Ambry Variant Classification Scheme 2023. Collection method: clinical testing. Allele origin: germline.

GeneDx
Classification: Uncertain significance. Last evaluated: 2022-03-04. Review status: criteria provided, single submitter. Criteria: GeneDx Variant Classification Process June 2021. Collection method: clinical testing. Allele origin: germline. Affected: yes.
Comment: In silico analysis supports that this missense variant does not alter protein structure/function; Has not been previously published as pathogenic or benign to our knowledge